The following is an entry in ClinVar:

ClinVar aggregate classification (germline): Likely benign (1 of 4 stars; one submission).

Conditions:
Hypertrophic cardiomyopathy. Also called: HYPERTROPHIC MYOCARDIOPATHY. Identifiers: Orphanet 217569, MedGen C0007194, MeSH D002312, MONDO:0005045, HP:0001639.

Allele frequency attached by ClinVar (database versions not stated): gnomAD exomes below 0.00001; ExAC 0.00001; gnomAD 0.00001; TOPMed 0.00001.

Submission:

All of Us Research Program, National Institutes of Health
Classification: Likely benign for Hypertrophic cardiomyopathy. Last evaluated: 2023-08-28. Review status: criteria provided, single submitter. Criteria: ACMG Guidelines, 2015. Collection method: clinical testing. Allele origin: germline. Inheritance: Autosomal dominant inheritance. Observed: 1 variant allele, 1 heterozygote.
Comment: This study involves interpretation of variants in research participants for the purpose of population health screening. Participant phenotype was not available at the time of variant classification. Additional details can be found in publication PMID: 35346344, PMCID: PMC8962531

NM_000256.3(MYBPC3):c.3105T>A (p.Ala1035=)

Gene: MYBPC3 (myosin binding protein C3; minus strand). Cytogenetic location: 11p11.2.
Variant type: single nucleotide variant.
Coding change: c.3105T>A on transcript NM_000256.3 (MANE Select); coding-DNA position 3105, T replaced by A.
Protein change: p.Ala1035=; no amino-acid change (alanine 1035 retained).
Molecular consequence: synonymous variant.
Genome position (GRCh38, 1-based): chr11:47,333,642, A>T on the plus strand (T>A on the coding strand, the complement: MYBPC3 is on the minus strand). VCF-style: chr11-47333642-A-T. GRCh37 (hg19) VCF-style: chr11-47355193-A-T.
Identifiers: ClinVar variation 3073275 (VCV003073275.1), dbSNP rs748548738, ClinGen allele CA079125.
Genomic context (GRCh38, chr11:47,333,642, plus strand): 5'-CTTGTCCTCCATGTTCTCAATGCGCACCGTCACCTGGTAAGTGCCTGAATGCACGCGGCG[A>T]GCGGCCCGGATGAACAGGATGGTGTCTGTGGGGCTGTTGCGGATGCTCACCTCCTCGCCT-3'
Protein context (NP_000247.2, residues 1025-1045): PTDTILFIRA[Ala1035=]RRVHSGTYQV